The following is an entry in ClinVar:

NM_001372106.1(DNAH10):c.8870G>A (p.Arg2957Gln)

Gene: DNAH10 (dynein axonemal heavy chain 10; plus strand). Cytogenetic location: 12q24.31.
Variant type: single nucleotide variant.
Coding change: c.8870G>A on transcript NM_001372106.1 (MANE Select); coding-DNA position 8870, G replaced by A.
Protein change: p.Arg2957Gln; replaces arginine 2957 with glutamine.
Molecular consequence: missense variant.
Genome position (GRCh38, 1-based): chr12:123,887,188, G>A. VCF-style: chr12-123887188-G-A. GRCh37 (hg19) VCF-style: chr12-124371735-G-A.
Other names: c.8516G>A, p.Arg2839Gln (NM_207437.3); short protein forms R2839Q, R2957Q.
Identifiers: ClinVar variation 1700506 (VCV001700506.7), dbSNP rs192293766, ClinGen allele CA6864894.
Genomic context (GRCh38, chr12:123,887,188, plus strand): 5'-TGTCTGCATCGCAGGTGTTTGAGATCCTGCTGAGCCGAGGCTACTCGGAGAACAGTTTCC[G>A]GGAAGACCTGAAGAGCCTCTATTTGAAACTTGGGATTGAGAACAAAGCGATGATCTTTCT-3'
Protein context (NP_001359035.1, residues 2947-2967): LSRGYSENSF[Arg2957Gln]EDLKSLYLKL

ClinVar aggregate classification (germline): Uncertain significance. Review status: criteria provided, multiple submitters, no conflicts (2 of 4 stars). 2 submissions from 2 submitters: Uncertain significance (2). Last evaluated 2025-08-11.

Allele frequency attached by ClinVar (database versions not stated): gnomAD exomes 0.00005; ESP Exome Variant Server 0.00016; gnomAD 0.00034; TOPMed 0.00036; 1000 Genomes Project 0.00040; 1000 Genomes Project 30x 0.00062.
gnomAD v4.1: 127 of 1,612,886 alleles (0.0079%); highest among the groups gnomAD compares: African/African-American, 0.12%; no homozygotes.

Submissions (2):

Ambry Genetics
Classification: Uncertain significance. Last evaluated: 2025-08-11. Review status: criteria provided, single submitter. Criteria: Ambry Variant Classification Scheme 2023. Collection method: clinical testing. Allele origin: germline.

GeneDx
Classification: Uncertain significance. Last evaluated: 2024-11-10. Review status: criteria provided, single submitter. Criteria: GeneDx Variant Classification Process June 2021. Collection method: clinical testing. Allele origin: germline. Affected: yes.
Comment: In silico analysis supports that this missense variant has a deleterious effect on protein structure/function; Has not been previously published as pathogenic or benign to our knowledge